The following is an entry in ClinVar:

NM_000733.4(CD3E):c.334C>A (p.Leu112Ile)

Gene: CD3E (CD3 epsilon subunit of T-cell receptor complex; plus strand). Cytogenetic location: 11q23.3.
Variant type: single nucleotide variant.
Coding change: c.334C>A on transcript NM_000733.4 (MANE Select); coding-DNA position 334, C replaced by A.
Protein change: p.Leu112Ile; replaces leucine 112 with isoleucine.
Molecular consequence: missense variant.
Genome position (GRCh38, 1-based): chr11:118,312,848, C>A. VCF-style: chr11-118312848-C-A. GRCh37 (hg19) VCF-style: chr11-118183563-C-A.
Other names: short protein forms L112I.
Identifiers: ClinVar variation 3717696 (VCV003717696.2).

ClinVar aggregate classification (germline): Uncertain significance (1 of 4 stars; one submission).

Conditions:
Immunodeficiency 18 (IMD18). Also called: CD3-EPSILON DEFICIENCY; CD3epsilon deficiency. Identifiers: MedGen C3810127, MONDO:0014278, OMIM 615615.

gnomAD v4.1: 6 of 1,614,182 alleles (0.00037%); highest among the groups gnomAD compares: East Asian, 0.013%; no homozygotes.

Submission:

Labcorp Genetics (formerly Invitae), Labcorp
Classification: Uncertain significance for Immunodeficiency 18. Last evaluated: 2024-04-10. Review status: criteria provided, single submitter. Criteria: Invitae Variant Classification Sherloc (09022015). Collection method: clinical testing. Allele origin: germline.
Comment: This sequence change replaces leucine, which is neutral and non-polar, with isoleucine, which is neutral and non-polar, at codon 112 of the CD3E protein (p.Leu112Ile). This variant is present in population databases (rs201466593, gnomAD 0.006%). This variant has not been reported in the literature in individuals affected with CD3E-related conditions. Algorithms developed to predict the effect of missense changes on protein structure and function output the following: SIFT: "Not Available"; PolyPhen-2: "Possibly Damaging"; Align-GVGD: "Not Available". The isoleucine amino acid residue is found in multiple mammalian species, which suggests that this missense change does not adversely affect protein function. In summary, the available evidence is currently insufficient to determine the role of this variant in disease. Therefore, it has been classified as a Variant of Uncertain Significance.